The following is an entry in ClinVar:

NM_004563.4(PCK2):c.565C>G (p.Arg189Gly)

Genes: NRL (neural retina leucine zipper; minus strand), PCK2 (phosphoenolpyruvate carboxykinase 2, mitochondrial; plus strand). Cytogenetic location: 14q11.2.
Variant type: single nucleotide variant.
Coding change: c.565C>G on transcript NM_004563.4 (MANE Select); coding-DNA position 565, C replaced by G.
Protein change: p.Arg189Gly; replaces arginine 189 with glycine.
Molecular consequence: missense variant. On other transcripts: intron variant (3).
Genome position (GRCh38, 1-based): chr14:24,098,579, C>G. VCF-style: chr14-24098579-C-G. GRCh37 (hg19) VCF-style: chr14-24567788-C-G.
Other names: c.-253-13834G>C (NM_006177.5); c.163C>G, p.Arg55Gly (NM_001308054.2, NM_001291556.2); c.-27-15704G>C (NM_001354768.3, NM_001354770.2); c.565C>G, p.Arg189Gly (NM_001018073.3); short protein forms R189G, R55G.
Identifiers: ClinVar variation 3706179 (VCV003706179.2).

ClinVar aggregate classification (germline): Uncertain significance (1 of 4 stars; one submission).

gnomAD v4.1: 3 of 1,614,096 alleles (0.00019%); highest among the groups gnomAD compares: Admixed American, 0.0033%; no homozygotes.

Submission:

Labcorp Genetics (formerly Invitae), Labcorp
Classification: Uncertain significance. Last evaluated: 2025-01-06. Review status: criteria provided, single submitter. Criteria: Invitae Variant Classification Sherloc (09022015). Collection method: clinical testing. Allele origin: germline.
Comment: This sequence change replaces arginine, which is basic and polar, with glycine, which is neutral and non-polar, at codon 189 of the PCK2 protein (p.Arg189Gly). This variant is present in population databases (no rsID available, gnomAD 0.003%). This variant has not been reported in the literature in individuals affected with PCK2-related conditions. Invitae Evidence Modeling of protein sequence and biophysical properties (such as structural, functional, and spatial information, amino acid conservation, physicochemical variation, residue mobility, and thermodynamic stability) indicates that this missense variant is not expected to disrupt PCK2 protein function with a negative predictive value of 80%. In summary, the available evidence is currently insufficient to determine the role of this variant in disease. Therefore, it has been classified as a Variant of Uncertain Significance.